The following is an entry in ClinVar:

NM_001206927.2(DNAH8):c.5738_5741dup (p.Leu1915fs)

Gene: DNAH8 (dynein axonemal heavy chain 8; plus strand). Cytogenetic location: 6p21.2.
Variant type: Duplication.
Coding change: c.5738_5741dup on transcript NM_001206927.2 (MANE Select); coding-DNA positions 5738 to 5741, 4 bases duplicated (GACT; older notation c.5738_5741dupGACT).
Protein change: p.Leu1915fs; shifts the reading frame from leucine 1915.
Molecular consequence: frameshift variant.
Genome position (GRCh38, 1-based): chr6:38,857,522-38,857,525, GACT duplicated. VCF-style (leftmost placement, unchanged base first): chr6-38857521-G-GGACT. GRCh37 (hg19) VCF-style: chr6-38825297-G-GGACT.
Other names: c.5087_5090dup, p.Leu1698fs (NM_001371.4); short protein forms L1698fs, L1915fs.
Identifiers: ClinVar variation 2062692 (VCV002062692.4), dbSNP rs1190884969, ClinGen allele CA566574914.

ClinVar aggregate classification (germline): Pathogenic (1 of 4 stars; one submission).

Conditions:
Primary ciliary dyskinesia. Also called: Ciliary dyskinesia. Identifiers: Orphanet 244, MedGen C0008780, MONDO:0016575, HP:0012265.

Allele frequency attached by ClinVar (database versions not stated): TOPMed below 0.00001; gnomAD exomes 0.00003.

Submission:

Labcorp Genetics (formerly Invitae), Labcorp
Classification: Pathogenic for Primary ciliary dyskinesia. Last evaluated: 2022-04-07. Review status: criteria provided, single submitter. Criteria: Invitae Variant Classification Sherloc (09022015). Collection method: clinical testing. Allele origin: germline.
Comment: This sequence change creates a premature translational stop signal (p.Leu1915Thrfs*18) in the DNAH8 gene. It is expected to result in an absent or disrupted protein product. Loss-of-function variants in DNAH8 are known to be pathogenic (PMID: 24307375, 32619401, 32681648). This variant is present in population databases (no rsID available, gnomAD 0.003%). This variant has not been reported in the literature in individuals affected with DNAH8-related conditions. For these reasons, this variant has been classified as Pathogenic.

Literature cited by the submitters: PubMed 24307375; PubMed 32619401; PubMed 32681648.